The following is an entry in ClinVar:

ClinVar aggregate classification (germline): Uncertain significance. Review status: criteria provided, multiple submitters, no conflicts (2 of 4 stars). 2 submissions from 2 submitters: Uncertain significance (2). Last evaluated 2024-03-09.

Conditions:
Hereditary cancer-predisposing syndrome. Also called: Neoplastic Syndromes, Hereditary; Tumor predisposition; Hereditary Cancer Syndrome; Hereditary neoplastic syndrome. Identifiers: Orphanet 140162, MedGen C0027672, MeSH D009386, MONDO:0015356.

Submissions (2):

Ambry Genetics
Classification: Uncertain significance for Hereditary cancer-predisposing syndrome. Last evaluated: 2024-03-09. Review status: criteria provided, single submitter. Criteria: Ambry Variant Classification Scheme 2023. Collection method: clinical testing. Allele origin: germline.
Comment: The p.E496K variant (also known as c.1486G>A), located in coding exon 10 of the MSH3 gene, results from a G to A substitution at nucleotide position 1486. The glutamic acid at codon 496 is replaced by lysine, an amino acid with similar properties. This amino acid position is conserved. In addition, this alteration is predicted to be tolerated by in silico analysis. Based on the available evidence, the clinical significance of this alteration remains unclear.

Labcorp Genetics (formerly Invitae), Labcorp
Classification: Uncertain significance. Last evaluated: 2023-01-11. Review status: criteria provided, single submitter. Criteria: Invitae Variant Classification Sherloc (09022015). Collection method: clinical testing. Allele origin: germline.
Comment: This sequence change replaces glutamic acid, which is acidic and polar, with lysine, which is basic and polar, at codon 496 of the MSH3 protein (p.Glu496Lys). In summary, the available evidence is currently insufficient to determine the role of this variant in disease. Therefore, it has been classified as a Variant of Uncertain Significance. Algorithms developed to predict the effect of missense changes on protein structure and function (SIFT, PolyPhen-2, Align-GVGD) all suggest that this variant is likely to be tolerated. This variant has not been reported in the literature in individuals affected with MSH3-related conditions. This variant is not present in population databases (gnomAD no frequency).

NM_002439.5(MSH3):c.1486G>A (p.Glu496Lys)

Gene: MSH3 (mutS homolog 3; plus strand). Cytogenetic location: 5q14.1.
Variant type: single nucleotide variant.
Coding change: c.1486G>A on transcript NM_002439.5 (MANE Select); coding-DNA position 1486, G replaced by A.
Protein change: p.Glu496Lys; replaces glutamic acid 496 with lysine.
Molecular consequence: missense variant.
Genome position (GRCh38, 1-based): chr5:80,728,883, G>A. VCF-style: chr5-80728883-G-A. GRCh37 (hg19) VCF-style: chr5-80024702-G-A.
Other names: c.1486G>A (NM_002439.3); short protein forms E496K.
Identifiers: ClinVar variation 2917127 (VCV002917127.4), dbSNP rs2546754619, ClinGen allele CA360274205.